The following is an entry in ClinVar:

ClinVar aggregate classification (germline): Likely pathogenic (1 of 4 stars; one submission).

Conditions:
Familial thoracic aortic aneurysm and aortic dissection (TAAD). Also called: Thoracic aortic aneurysms and dissections. Identifiers: Orphanet 91387, MedGen C4707243, MONDO:0019625.
Marfan syndrome (MFS). Also called: FBN1-Related Marfan Syndrome; Marfan syndrome type 1; Marfan's syndrome; Marfan syndrome, classic; MARFAN SYNDROME, TYPE I. Identifiers: Orphanet 284963, Orphanet 558, MedGen C0024796, MONDO:0007947, OMIM 154700.

Submission:

Labcorp Genetics (formerly Invitae), Labcorp
Classification: Likely pathogenic for Marfan syndrome; Familial thoracic aortic aneurysm and aortic dissection. Last evaluated: 2024-01-31. Review status: criteria provided, single submitter. Criteria: Invitae Variant Classification Sherloc (09022015). Collection method: clinical testing. Allele origin: germline.
Comment: This sequence change falls in intron 3 of the FBN1 gene. It does not directly change the encoded amino acid sequence of the FBN1 protein. It affects a nucleotide within the consensus splice site. This variant is not present in population databases (gnomAD no frequency). This variant has been observed in individual(s) with Marfan syndrome (Invitae). It has also been observed to segregate with disease in related individuals. ClinVar contains an entry for this variant (Variation ID: 577165). Variants that disrupt the consensus splice site are a relatively common cause of aberrant splicing (PMID: 17576681, 9536098). Algorithms developed to predict the effect of sequence changes on RNA splicing suggest that this variant may disrupt the consensus splice site. This variant disrupts the c.247+3 nucleotide in the FBN1 gene. Other variant(s) that disrupt this nucleotide have been determined to be pathogenic (PMID: 19293843, 28941062). This suggests that this nucleotide is clinically significant, and that variants that disrupt this position are likely to be disease-causing. In summary, the currently available evidence indicates that the variant is pathogenic, but additional data are needed to prove that conclusively. Therefore, this variant has been classified as Likely Pathogenic.

Literature cited by the submitters: PubMed 17576681; PubMed 9536098; PubMed 19293843; PubMed 28941062.

NM_000138.5(FBN1):c.247+3A>C

Gene: FBN1 (fibrillin 1; minus strand). Cytogenetic location: 15q21.1.
Variant type: single nucleotide variant.
Coding change: c.247+3A>C on transcript NM_000138.5 (MANE Select); 3 bases into the intron after coding-DNA position 247, A replaced by C.
Molecular consequence: intron variant.
Genome position (GRCh38, 1-based): chr15:48,613,007, T>G on the plus strand (A>C on the coding strand, the complement: FBN1 is on the minus strand). VCF-style: chr15-48613007-T-G. GRCh37 (hg19) VCF-style: chr15-48905204-T-G.
Identifiers: ClinVar variation 577165 (VCV000577165.8), dbSNP rs201854371, ClinGen allele CA891843977.
Genomic context (GRCh38, chr15:48,613,007, plus strand): 5'-TCCCCATGCAACCAACACAACAAAAGAAGGACATGCAGAATGACAAGTTTTCTATTTACT[T>G]ACGGACAATACACTGATTTCCGCCAGGTAAGGTTTTCCATCCAGGGCAACAGTAAGCATT-3'